The following is an entry in ClinVar:

ClinVar aggregate classification (germline): Uncertain significance (1 of 4 stars; one submission).

Conditions:
Primary dilated cardiomyopathy (DCM). Also called: Dilated Cardiomyopathy. Identifiers: Orphanet 217604, MedGen C0007193, MeSH D002311, MONDO:0005021, HP:0001644. Inheritance: Various modes of inheritance.

gnomAD v4.1: 6 of 1,613,534 alleles (0.00037%); highest among the groups gnomAD compares: Non-Finnish European, 0.00051%; no homozygotes.

Submission:

Labcorp Genetics (formerly Invitae), Labcorp
Classification: Uncertain significance for Primary dilated cardiomyopathy. Last evaluated: 2025-04-09. Review status: criteria provided, single submitter. Criteria: Invitae Variant Classification Sherloc (09022015). Collection method: clinical testing. Allele origin: germline.
Comment: This sequence change affects codon 362 of the TXNRD2 mRNA. It is a 'silent' change, meaning that it does not change the encoded amino acid sequence of the TXNRD2 protein. This variant also falls at the last nucleotide of exon 12, which is part of the consensus splice site for this exon. This variant is present in population databases (rs754455613, gnomAD 0.0009%). This variant has not been reported in the literature in individuals affected with TXNRD2-related conditions. Variants that disrupt the consensus splice site are a relatively common cause of aberrant splicing (PMID: 17576681, 9536098). Algorithms developed to predict the effect of sequence changes on RNA splicing suggest that this variant may disrupt the consensus splice site. In summary, the available evidence is currently insufficient to determine the role of this variant in disease. Therefore, it has been classified as a Variant of Uncertain Significance.

Literature cited by the submitters: PubMed 17576681; PubMed 9536098.

NM_006440.5(TXNRD2):c.1086G>A (p.Glu362=)

Gene: TXNRD2 (thioredoxin reductase 2; minus strand). Cytogenetic location: 22q11.21.
Variant type: single nucleotide variant.
Coding change: c.1086G>A on transcript NM_006440.5 (MANE Select); coding-DNA position 1086, G replaced by A.
Protein change: p.Glu362=; no amino-acid change (glutamic acid 362 retained).
Molecular consequence: synonymous variant. On other transcripts: non-coding transcript variant (1).
Genome position (GRCh38, 1-based): chr22:19,883,325, C>T on the plus strand (G>A on the coding strand, the complement: TXNRD2 is on the minus strand). VCF-style: chr22-19883325-C-T. GRCh37 (hg19) VCF-style: chr22-19870848-C-T.
Other names: c.1083G>A, p.Glu361= (NM_001352300.2); c.996G>A, p.Glu332= (NM_001352301.2); c.798G>A, p.Glu266= (NM_001352302.2).
Identifiers: ClinVar variation 4706551 (VCV004706551.1).